The following is an entry in ClinVar:

NM_001184.4(ATR):c.3043C>T (p.Arg1015Ter)

Gene: ATR (ATR checkpoint kinase; minus strand). Cytogenetic location: 3q23.
Variant type: single nucleotide variant.
Coding change: c.3043C>T on transcript NM_001184.4 (MANE Select); coding-DNA position 3043, C replaced by T.
Protein change: p.Arg1015Ter; replaces arginine 1015 with a stop codon.
Molecular consequence: nonsense.
Genome position (GRCh38, 1-based): chr3:142,549,607, G>A on the plus strand (C>T on the coding strand, the complement: ATR is on the minus strand). VCF-style: chr3-142549607-G-A. GRCh37 (hg19) VCF-style: chr3-142268449-G-A.
Other names: c.2851C>T, p.Arg951Ter (NM_001354579.2); short protein forms R1015*, R951*.
Identifiers: ClinVar variation 977841 (VCV000977841.8), dbSNP rs1453839157, ClinGen allele CA354812470.

ClinVar aggregate classification (germline): Pathogenic/Likely pathogenic. Review status: criteria provided, multiple submitters, no conflicts (2 of 4 stars). 3 submissions from 3 submitters: Pathogenic (1); Likely pathogenic (1). 1 of the submissions does not count toward it. Last evaluated 2025-11-20.

Conditions:
Seckel syndrome 1 (SCKL1). Also called: MICROCEPHALIC PRIMORDIAL DWARFISM I. Identifiers: Orphanet 808, MedGen C4551474, MONDO:0008869, OMIM 210600.

Allele frequency attached by ClinVar (database versions not stated): gnomAD exomes 0.00001; TOPMed 0.00001.
gnomAD v4.1: 10 of 1,613,346 alleles (0.00062%); highest among the groups gnomAD compares: Admixed American, 0.0033%; no homozygotes.

Submissions (3):

Labcorp Genetics (formerly Invitae), Labcorp
Classification: Pathogenic. Last evaluated: 2025-11-20. Review status: criteria provided, single submitter. Criteria: Invitae Variant Classification Sherloc (09022015). Collection method: clinical testing. Allele origin: germline.
Comment: This sequence change creates a premature translational stop signal (p.Arg1015*) in the ATR gene. It is expected to result in an absent or disrupted protein product. Loss-of-function variants in ATR are known to be pathogenic (PMID: 21228398, 23144622). This variant is present in population databases (no rsID available, gnomAD 0.006%). This premature translational stop signal has been observed in individual(s) with ATR-related conditions (PMID: 30159786). ClinVar contains an entry for this variant (Variation ID: 977841). For these reasons, this variant has been classified as Pathogenic.

Dasa
Classification: Likely pathogenic. Last evaluated: 2025-11-17. Review status: criteria provided, single submitter. Criteria: DASA Assertion Criteria. Collection method: clinical testing. Allele origin: germline.
Comment: NM_001184.4(ATR):c.3043C>T (p.Arg1015*) is a nonsense variant in ATR predicted to introduce a premature termination codon and is predicted to result in an absent or altered protein product. Loss of function is an established disease mechanism for ATR-associated disorders. Published studies describe this variant in association with related phenotype (PMID: 30159786; PMID: 35181726). Also, this variant is rare in population databases. Based on the currently available evidence, this variant is classified as likely pathogenic.

Service de Génétique Moléculaire, Hôpital Robert Debré
Classification: Pathogenic for Seckel syndrome 1. Review status: no assertion criteria provided. Collection method: clinical testing. Allele origin: unknown. Affected: yes. Not counted in ClinVar's aggregate classification.

Literature cited by the submitters: PubMed 21228398 (cited by Labcorp Genetics (formerly Invitae), Labcorp); PubMed 23144622 (cited by Labcorp Genetics (formerly Invitae), Labcorp); PubMed 30159786 (cited by Labcorp Genetics (formerly Invitae), Labcorp and Dasa); PubMed 35181726 (cited by Dasa).